The following is an entry in ClinVar:

ClinVar aggregate classification (germline): Likely benign (0 of 4 stars; one submission).

Conditions:
MED13-related disorder. Also called: MED13-related condition.

Allele frequency attached by ClinVar (database versions not stated): gnomAD 0.00003; ExAC 0.00004; TOPMed 0.00005.
gnomAD v4.1: 67 of 1,613,716 alleles (0.0042%); highest among the groups gnomAD compares: Middle Eastern, 0.017%; no homozygotes.

Submission:

PreventionGenetics, part of Exact Sciences
Classification: Likely benign for MED13-related condition. Last evaluated: 2024-01-29. Review status: no assertion criteria provided. Collection method: clinical testing. Allele origin: germline.
Comment: This variant is classified as likely benign based on ACMG/AMP sequence variant interpretation guidelines (Richards et al. 2015 PMID: 25741868, with internal and published modifications).

NM_005121.3(MED13):c.5430A>G (p.Leu1810=)

Gene: MED13 (mediator complex subunit 13; minus strand). Cytogenetic location: 17q23.2.
Variant type: single nucleotide variant.
Coding change: c.5430A>G on transcript NM_005121.3 (MANE Select); coding-DNA position 5430, A replaced by G.
Protein change: p.Leu1810=; no amino-acid change (leucine 1810 retained).
Molecular consequence: synonymous variant.
Genome position (GRCh38, 1-based): chr17:61,960,917, T>C on the plus strand (A>G on the coding strand, the complement: MED13 is on the minus strand). VCF-style: chr17-61960917-T-C. GRCh37 (hg19) VCF-style: chr17-60038278-T-C.
Identifiers: ClinVar variation 3048916 (VCV003048916.2), dbSNP rs763104777, ClinGen allele CA8692168.